The following is an entry in ClinVar:

ClinVar aggregate classification (germline): Benign/Likely benign. Review status: criteria provided, multiple submitters, no conflicts (2 of 4 stars). 7 submissions from 7 submitters: Benign (4); Likely benign (2). 1 of the submissions does not count toward it. Last evaluated 2026-08-01.

Conditions:
COL6A1-related disorder. Also called: COL6A1-related condition.
Bethlem myopathy 1A. Also called: Bethlem Muscular Dystrophy; MYOPATHY, BENIGN CONGENITAL, WITH CONTRACTURES; Bethlem myopathy 1. Identifiers: Orphanet 610, MedGen CN029274, MONDO:0024530, OMIM 158810.
Collagen 6-related myopathy. Identifiers: MedGen CN117976, MONDO:0100225.

Allele frequency attached by ClinVar (database versions not stated): ESP Exome Variant Server 0.00092; TOPMed 0.00114; gnomAD 0.00128 and 0.00143; gnomAD exomes 0.00148 and 0.00291; 1000 Genomes Project 30x 0.00172; 1000 Genomes Project 0.00220; ExAC 0.00268.

Submissions (7):

CeGaT Center for Human Genetics Tuebingen
Classification: Likely benign. Last evaluated: 2026-08-01. Review status: criteria provided, single submitter. Criteria: CeGaT Center For Human Genetics Tuebingen Variant Classification Criteria Version 2. Collection method: clinical testing. Allele origin: germline. Affected: yes. Observed: 6 variant alleles.
Comment: COL6A1: BS2

Labcorp Genetics (formerly Invitae), Labcorp
Classification: Benign for Bethlem myopathy 1A. Last evaluated: 2026-01-17. Review status: criteria provided, single submitter. Criteria: Invitae Variant Classification Sherloc (09022015). Collection method: clinical testing. Allele origin: germline.

Illumina Laboratory Services, Illumina
Classification: Benign for Collagen VI-related myopathy. Last evaluated: 2018-01-13. Review status: criteria provided, single submitter. Criteria: ICSL Variant Classification Criteria 13 December 2019. Collection method: clinical testing. Allele origin: germline.
Comment: This variant was observed in the ICSL laboratory as part of a predisposition screen in an ostensibly healthy population. It had not been previously curated by ICSL or reported in the Human Gene Mutation Database (HGMD: prior to June 1st, 2018), and was therefore a candidate for classification through an automated scoring system. Utilizing variant allele frequency, disease prevalence and penetrance estimates, and inheritance mode, an automated score was calculated to assess if this variant is too frequent to cause the disease. Based on the score and internal cut-off values, a variant classified as benign is not then subjected to further curation. The score for this variant resulted in a classification of benign for this disease.

GeneDx
Classification: Benign. Last evaluated: 2016-11-17. Review status: criteria provided, single submitter. Criteria: GeneDx Variant Classification (06012015). Collection method: clinical testing. Allele origin: germline. Affected: yes.
Comment: This variant is considered likely benign or benign based on one or more of the following criteria: it is a conservative change, it occurs at a poorly conserved position in the protein, it is predicted to be benign by multiple in silico algorithms, and/or has population frequency not consistent with disease.

Eurofins Ntd Llc (ga)
Classification: Benign. Last evaluated: 2015-08-19. Review status: criteria provided, single submitter. Criteria: EGL Classification Definitions 2015. Collection method: clinical testing. Allele origin: germline. Observed: 3 variant alleles, 3 heterozygotes.

Breakthrough Genomics
Classification: Likely benign. Review status: criteria provided, single submitter. Criteria: ACMG Guidelines, 2015. Collection method: not provided. Allele origin: germline. Inheritance: Autosomal recessive inheritance. Affected: yes.

PreventionGenetics, part of Exact Sciences
Classification: Benign for COL6A1-related condition. Last evaluated: 2024-08-08. Review status: no assertion criteria provided. Collection method: clinical testing. Allele origin: germline. Not counted in ClinVar's aggregate classification.
Comment: This variant is classified as benign based on ACMG/AMP sequence variant interpretation guidelines (Richards et al. 2015 PMID: 25741868, with internal and published modifications).

NM_001848.3(COL6A1):c.2866G>A (p.Glu956Lys)

Gene: COL6A1 (collagen type VI alpha 1 chain; plus strand). Cytogenetic location: 21q22.3.
Variant type: single nucleotide variant.
Coding change: c.2866G>A on transcript NM_001848.3 (MANE Select); coding-DNA position 2866, G replaced by A.
Protein change: p.Glu956Lys; replaces glutamic acid 956 with lysine.
Molecular consequence: missense variant.
Genome position (GRCh38, 1-based): chr21:46,003,792, G>A. VCF-style: chr21-46003792-G-A. GRCh37 (hg19) VCF-style: chr21-47423706-G-A.
Other names: short protein forms E956K.
Identifiers: ClinVar variation 196953 (VCV000196953.45), dbSNP rs149534094, ClinGen allele CA244791.